The following is an entry in ClinVar:

ClinVar aggregate classification (germline): Likely benign. Review status: criteria provided, multiple submitters, no conflicts (2 of 4 stars). 3 submissions from 3 submitters: Likely benign (3). Last evaluated 2025-02-12.

Conditions:
Hereditary cancer-predisposing syndrome. Also called: Neoplastic Syndromes, Hereditary; Hereditary Cancer Syndrome; Tumor predisposition; Hereditary neoplastic syndrome. Identifiers: Orphanet 140162, MedGen C0027672, MeSH D009386, MONDO:0015356.
Ataxia-telangiectasia syndrome (AT). Also called: LOUIS-BAR SYNDROME; Cerebello-oculocutaneous telangiectasia; Immunodeficiency with ataxia telangiectasia; Ataxia-telangiectasia, complementation group D; AT, COMPLEMENTATION GROUP C; Ataxia-telangiectasia, complementation group E. Identifiers: Orphanet 100, MedGen C0004135, MONDO:0008840, OMIM 208900.

Submissions (3):

Labcorp Genetics (formerly Invitae), Labcorp
Classification: Likely benign for Ataxia-telangiectasia syndrome. Last evaluated: 2025-02-12. Review status: criteria provided, single submitter. Criteria: Invitae Variant Classification Sherloc (09022015). Collection method: clinical testing. Allele origin: germline.

Color Diagnostics, LLC DBA Color Health
Classification: Likely benign for Hereditary cancer-predisposing syndrome. Last evaluated: 2017-06-02. Review status: criteria provided, single submitter. Criteria: ACMG Guidelines, 2015. Collection method: clinical testing. Allele origin: germline.

GeneDx
Classification: Likely benign. Last evaluated: 2016-08-05. Review status: criteria provided, single submitter. Criteria: GeneDx Variant Classification (06012015). Collection method: clinical testing. Allele origin: germline. Affected: yes.
Comment: This variant is considered likely benign or benign based on one or more of the following criteria: it is a conservative change, it occurs at a poorly conserved position in the protein, it is predicted to be benign by multiple in silico algorithms, and/or has population frequency not consistent with disease.

NM_000051.4(ATM):c.8786+11T>G

Genes: ATM (ATM serine/threonine kinase; plus strand), C11orf65 (chromosome 11 open reading frame 65; minus strand). Cytogenetic location: 11q22.3.
Variant type: single nucleotide variant.
Coding change: c.8786+11T>G on transcript NM_000051.4 (MANE Select); 11 bases into the intron after coding-DNA position 8786, T replaced by G.
Molecular consequence: intron variant.
Genome position (GRCh38, 1-based): chr11:108,353,891, T>G. VCF-style: chr11-108353891-T-G. GRCh37 (hg19) VCF-style: chr11-108224618-T-G.
Other names: c.8786+11T>G (NM_001351834.2); c.640+32029A>C (NM_001330368.2); c.695-18599A>C (NM_001351110.2).
Identifiers: ClinVar variation 388397 (VCV000388397.11), dbSNP rs368627124, ClinGen allele CA6266440.